The following is an entry in ClinVar:

NM_021009.7(UBC):c.513C>G (p.Pro171=)

Gene: UBC (ubiquitin C; minus strand). Cytogenetic location: 12q24.31.
Variant type: single nucleotide variant.
Coding change: c.513C>G on transcript NM_021009.7 (MANE Select); coding-DNA position 513, C replaced by G.
Protein change: p.Pro171=; no amino-acid change (proline 171 retained).
Molecular consequence: synonymous variant.
Genome position (GRCh38, 1-based): chr12:124,913,259, G>C on the plus strand (C>G on the coding strand, the complement: UBC is on the minus strand). VCF-style: chr12-124913259-G-C. GRCh37 (hg19) VCF-style: chr12-125397805-G-C.
Identifiers: ClinVar variation 4084311 (VCV004084311.8).

ClinVar aggregate classification (germline): Likely benign (1 of 4 stars; one submission).

Submission:

CeGaT Center for Human Genetics Tuebingen
Classification: Likely benign. Last evaluated: 2025-12-01. Review status: criteria provided, single submitter. Criteria: CeGaT Center For Human Genetics Tuebingen Variant Classification Criteria Version 2. Collection method: clinical testing. Allele origin: germline. Affected: yes. Observed: 2 variant alleles.
Comment: UBC: BP4, BP7